The following is an entry in ClinVar:

NM_175634.3(RUNX1T1):c.-86+4A>G

Gene: RUNX1T1 (RUNX1 partner transcriptional co-repressor 1; minus strand). Cytogenetic location: 8q21.3.
Variant type: single nucleotide variant.
Coding change: c.-86+4A>G on transcript NM_175634.3 (MANE Select); 4 bases into the intron after 86 bases upstream of the start codon, A replaced by G.
Molecular consequence: intron variant.
Genome position (GRCh38, 1-based): chr8:92,102,853, T>C on the plus strand (A>G on the coding strand, the complement: RUNX1T1 is on the minus strand). VCF-style: chr8-92102853-T-C. GRCh37 (hg19) VCF-style: chr8-93115081-T-C.
Other names: c.28+4A>G (NM_001198633.2, NM_001395209.1).
Identifiers: ClinVar variation 3381434 (VCV003381434.1).

ClinVar aggregate classification (germline): Uncertain significance (1 of 4 stars; one submission).

gnomAD v4.1: 1 of 1,520,412 alleles (0.000066%); highest among the groups gnomAD compares: African/African-American, 0.0014%; no homozygotes.

Submission:

GeneDx
Classification: Uncertain significance. Last evaluated: 2022-10-28. Review status: criteria provided, single submitter. Criteria: GeneDx Variant Classification Process June 2021. Collection method: clinical testing. Allele origin: germline. Affected: yes.
Comment: Not observed at significant frequency in large population cohorts (gnomAD); In silico analysis supports a deleterious effect on splicing; Has not been previously published as pathogenic or benign to our knowledge; Variants in candidate genes are classified as variants of uncertain significance in accordance with ACMG guidelines (Richards et al., 2015)